The following is an entry in ClinVar:

NM_001111125.3(IQSEC2):c.3164G>A (p.Arg1055Gln)

Gene: IQSEC2 (IQ motif and Sec7 domain ArfGEF 2; minus strand). Cytogenetic location: Xp11.22.
Variant type: single nucleotide variant.
Coding change: c.3164G>A on transcript NM_001111125.3 (MANE Select); coding-DNA position 3164, G replaced by A.
Protein change: p.Arg1055Gln; replaces arginine 1055 with glutamine.
Molecular consequence: missense variant.
Genome position (GRCh38, 1-based): chrX:53,238,258, C>T on the plus strand (G>A on the coding strand, the complement: IQSEC2 is on the minus strand). VCF-style: chrX-53238258-C-T. GRCh37 (hg19) VCF-style: chrX-53267440-C-T.
Other names: c.2549G>A, p.Arg850Gln (NM_015075.2); short protein forms R1055Q, R850Q.
Identifiers: ClinVar variation 645084 (VCV000645084.10), dbSNP rs1407117835, ClinGen allele CA413146933.

ClinVar aggregate classification (germline): Uncertain significance. Review status: criteria provided, multiple submitters, no conflicts (2 of 4 stars). 2 submissions from 2 submitters: Uncertain significance (2). Last evaluated 2025-03-11.

Conditions:
Intellectual developmental disorder, X-linked 1. Also called: MENTAL RETARDATION, X-LINKED 18; MENTAL RETARDATION, X-LINKED 78; Atkin Flaitz Patil Smith syndrome; Intellectual disability, X-linked 1. Identifiers: Orphanet 777, MedGen C2931498, MONDO:0010656, OMIM 309530.
IQSEC2-related disorder. Also called: IQSEC2-related condition.

Allele frequency attached by ClinVar (database versions not stated): gnomAD exomes below 0.00001; TOPMed below 0.00001.
gnomAD v4.1: 1 of 1,211,139 alleles (0.000083%); highest among the groups gnomAD compares: Non-Finnish European, 0.00011%; no homozygotes.

Submissions (2):

PreventionGenetics, part of Exact Sciences
Classification: Uncertain significance for IQSEC2-related condition. Last evaluated: 2025-03-11. Review status: criteria provided, single submitter. Criteria: ACMG Guidelines, 2015. Collection method: clinical testing. Allele origin: germline.
Comment: The IQSEC2 c.3164G>A variant is predicted to result in the amino acid substitution p.Arg1055Gln. To our knowledge, this variant has not been reported in the literature or in a large population database (gnomAD), indicating this variant is rare. At this time, the clinical significance of this variant is uncertain due to the absence of conclusive functional and genetic evidence.

Labcorp Genetics (formerly Invitae), Labcorp
Classification: Uncertain significance for Intellectual developmental disorder, X-linked 1. Last evaluated: 2018-11-13. Review status: criteria provided, single submitter. Criteria: Invitae Variant Classification Sherloc (09022015). Collection method: clinical testing. Allele origin: germline.
Comment: In summary, the available evidence is currently insufficient to determine the role of this variant in disease. Therefore, it has been classified as a Variant of Uncertain Significance. Algorithms developed to predict the effect of missense changes on protein structure and function (SIFT, PolyPhen-2, Align-GVGD) all suggest that this variant is likely to be tolerated, but these predictions have not been confirmed by published functional studies and their clinical significance is uncertain. This variant has not been reported in the literature in individuals with IQSEC2-related disease. This variant is not present in population databases (ExAC no frequency). This sequence change replaces arginine with glutamine at codon 1055 of the IQSEC2 protein (p.Arg1055Gln). The arginine residue is moderately conserved and there is a small physicochemical difference between arginine and glutamine.